The following is an entry in ClinVar:

NM_001042492.3(NF1):c.4852A>G (p.Ile1618Val)

Gene: NF1 (neurofibromin 1; plus strand). Cytogenetic location: 17q11.2.
Variant type: single nucleotide variant.
Coding change: c.4852A>G on transcript NM_001042492.3 (MANE Select); coding-DNA position 4852, A replaced by G.
Protein change: p.Ile1618Val; replaces isoleucine 1618 with valine.
Molecular consequence: missense variant.
Genome position (GRCh38, 1-based): chr17:31,325,836, A>G. VCF-style: chr17-31325836-A-G. GRCh37 (hg19) VCF-style: chr17-29652854-A-G.
Other names: c.4789A>G, p.Ile1597Val (NM_000267.4); short protein forms I1618V, I1597V.
Identifiers: ClinVar variation 2249937 (VCV002249937.3), dbSNP rs1208118952, ClinGen allele CA399006916.

ClinVar aggregate classification (germline): Uncertain significance. Review status: criteria provided, multiple submitters, no conflicts (2 of 4 stars). 2 submissions from 2 submitters: Uncertain significance (2). Last evaluated 2025-07-20.

Conditions:
Neurofibromatosis, type 1 (NF1). Also called: NEUROFIBROMATOSIS, TYPE I, SOMATIC; Peripheral type neurofibromatosis; Neurofibromatosis, type I; VON RECKLINGHAUSEN DISEASE. Identifiers: Orphanet 636, MedGen C0027831, MONDO:0018975, OMIM 162200. Disease mechanism: loss of function.
Cardiovascular phenotype. Identifiers: MedGen CN230736.
Hereditary cancer-predisposing syndrome. Also called: Tumor predisposition; Hereditary neoplastic syndrome; Hereditary Cancer Syndrome; Neoplastic Syndromes, Hereditary. Identifiers: Orphanet 140162, MedGen C0027672, MeSH D009386, MONDO:0015356.

gnomAD v4.1: 1 of 1,614,150 alleles (0.000062%); highest among the groups gnomAD compares: South Asian, 0.0011%; no homozygotes.

Submissions (2):

Labcorp Genetics (formerly Invitae), Labcorp
Classification: Uncertain significance for Neurofibromatosis, type 1. Last evaluated: 2025-07-20. Review status: criteria provided, single submitter. Criteria: Invitae Variant Classification Sherloc (09022015). Collection method: clinical testing. Allele origin: germline.
Comment: This sequence change replaces isoleucine, which is neutral and non-polar, with valine, which is neutral and non-polar, at codon 1597 of the NF1 protein (p.Ile1597Val). This variant is present in population databases (no rsID available, gnomAD 0.003%). This variant has not been reported in the literature in individuals affected with NF1-related conditions. ClinVar contains an entry for this variant (Variation ID: 2249937). Invitae Evidence Modeling of protein sequence and biophysical properties (such as structural, functional, and spatial information, amino acid conservation, physicochemical variation, residue mobility, and thermodynamic stability) indicates that this missense variant is not expected to disrupt NF1 protein function with a negative predictive value of 95%. In summary, the available evidence is currently insufficient to determine the role of this variant in disease. Therefore, it has been classified as a Variant of Uncertain Significance.

Ambry Genetics
Classification: Uncertain significance for Cardiovascular phenotype; Hereditary cancer-predisposing syndrome. Last evaluated: 2021-10-20. Review status: criteria provided, single submitter. Criteria: Ambry Variant Classification Scheme 2023. Collection method: clinical testing. Allele origin: germline.